The following is an entry in ClinVar:

ClinVar aggregate classification (germline): Uncertain significance. Review status: criteria provided, multiple submitters, no conflicts (2 of 4 stars). 2 submissions from 2 submitters: Uncertain significance (2). Last evaluated 2026-01-19.

Conditions:
Creatine transporter deficiency (CCDS1). Also called: Creatine Transporter (CRTR) Deficiency; Mental retardation , X-linked with seizures, short stature and midface hypoplasia; Mental retardation , X-linked, with creatine transport deficiency; X-linked creatine transporter deficiency; X-linked creatine deficiency syndrome; SLC6A8-Related Creatine Transporter Deficiency. Identifiers: Orphanet 52503, MedGen C1845862, MONDO:0010305, OMIM 300352.

Allele frequency attached by ClinVar (database versions not stated): gnomAD exomes 0.00001; ExAC 0.00002.
gnomAD v4.1: 6 of 1,203,588 alleles (0.0005%); highest among the groups gnomAD compares: Admixed American, 0.0022%; no homozygotes.

Submissions (2):

Labcorp Genetics (formerly Invitae), Labcorp
Classification: Uncertain significance for Creatine transporter deficiency. Last evaluated: 2026-01-19. Review status: criteria provided, single submitter. Criteria: Invitae Variant Classification Sherloc (09022015). Collection method: clinical testing. Allele origin: germline.
Comment: This sequence change replaces isoleucine, which is neutral and non-polar, with methionine, which is neutral and non-polar, at codon 598 of the SLC6A8 protein (p.Ile598Met). This variant is present in population databases (rs782587560, gnomAD 0.001%). This variant has not been reported in the literature in individuals affected with SLC6A8-related conditions. ClinVar contains an entry for this variant (Variation ID: 568284). Invitae Evidence Modeling of protein sequence and biophysical properties (such as structural, functional, and spatial information, amino acid conservation, physicochemical variation, residue mobility, and thermodynamic stability) indicates that this missense variant is not expected to disrupt SLC6A8 protein function with a negative predictive value of 95%. In summary, the available evidence is currently insufficient to determine the role of this variant in disease. Therefore, it has been classified as a Variant of Uncertain Significance.

Fulgent Genetics
Classification: Uncertain significance for Creatine transporter deficiency. Last evaluated: 2018-10-31. Review status: criteria provided, single submitter. Criteria: ACMG Guidelines, 2015. Collection method: clinical testing. Allele origin: unknown.

NM_005629.4(SLC6A8):c.1794C>G (p.Ile598Met)

Gene: SLC6A8 (solute carrier family 6 member 8; plus strand). Cytogenetic location: Xq28.
Variant type: single nucleotide variant.
Coding change: c.1794C>G on transcript NM_005629.4 (MANE Select); coding-DNA position 1794, C replaced by G.
Protein change: p.Ile598Met; replaces isoleucine 598 with methionine.
Molecular consequence: missense variant.
Genome position (GRCh38, 1-based): chrX:153,695,100, C>G. VCF-style: chrX-153695100-C-G. GRCh37 (hg19) VCF-style: chrX-152960555-C-G.
Other names: c.1764C>G, p.Ile588Met (NM_001142805.2); c.1449C>G, p.Ile483Met (NM_001142806.1); short protein forms I598M, I483M, I588M.
Identifiers: ClinVar variation 568284 (VCV000568284.9), dbSNP rs782587560, ClinGen allele CA10549666.
Genomic context (GRCh38, chrX:153,695,100, plus strand): 5'-CCTGGGGGCTTCAGCATGTCCTCCTCTCCTGCAGCGCTGGCAGCACCTGACCCAGCCCAT[C>G]TGGGGCCTCCACCACTTGGAGTACCGAGCTCAGGACGCAGATGTCAGGGGCCTGACCACC-3'
Protein context (NP_005620.1, residues 588-608): AERWQHLTQP[Ile598Met]WGLHHLEYRA